The following is an entry in ClinVar:

ClinVar aggregate classification (germline): Likely benign (1 of 4 stars; one submission).

Allele frequency attached by ClinVar (database versions not stated): TOPMed 0.00044; gnomAD 0.00050; ExAC 0.00058; ESP Exome Variant Server 0.00069.
gnomAD v4.1: 770 of 1,614,200 alleles (0.048%); highest among the groups gnomAD compares: Non-Finnish European, 0.06%; 1 homozygote.

Submission:

CeGaT Center for Human Genetics Tuebingen
Classification: Likely benign. Last evaluated: 2023-02-01. Review status: criteria provided, single submitter. Criteria: CeGaT Center For Human Genetics Tuebingen Variant Classification Criteria Version 2. Collection method: clinical testing. Allele origin: germline. Affected: yes. Observed: 2 variant alleles.
Comment: HS1BP3: BP4, BP7

NM_022460.4(HS1BP3):c.1044C>A (p.Pro348=)

Gene: HS1BP3 (HCLS1 binding protein 3; minus strand). Cytogenetic location: 2p24.1.
Variant type: single nucleotide variant.
Coding change: c.1044C>A on transcript NM_022460.4 (MANE Select); coding-DNA position 1044, C replaced by A.
Protein change: p.Pro348=; no amino-acid change (proline 348 retained).
Molecular consequence: synonymous variant.
Genome position (GRCh38, 1-based): chr2:20,619,122, G>T on the plus strand (C>A on the coding strand, the complement: HS1BP3 is on the minus strand). VCF-style: chr2-20619122-G-T. GRCh37 (hg19) VCF-style: chr2-20818882-G-T.
Identifiers: ClinVar variation 2650703 (VCV002650703.24), dbSNP rs139786951, ClinGen allele CA1545587.
Genomic context (GRCh38, chr2:20,619,122, plus strand): 5'-GGCTTGGATCTGCTCCTGCGGCTTCTGCTGCCCAGCCACAGCTTCAGCCGGGCCCGCTTT[G>T]GGGGGAACAGCTGGTTTTCTGGGTATCACCGGCTTAGCTGCCACTGGTGGCTTGGGCTTA-3'
Protein context (NP_071905.3, residues 338-358): PVIPRKPAVP[Pro348=]KAGPAEAVAG